The following is an entry in ClinVar:

NM_000414.4(HSD17B4):c.316C>T (p.Arg106Cys)

Gene: HSD17B4 (hydroxysteroid 17-beta dehydrogenase 4; plus strand). Cytogenetic location: 5q23.1.
Variant type: single nucleotide variant.
Coding change: c.316C>T on transcript NM_000414.4 (MANE Select); coding-DNA position 316, C replaced by T.
Protein change: p.Arg106Cys; replaces arginine 106 with cysteine.
Molecular consequence: missense variant. On other transcripts: 5 prime UTR variant (5), non-coding transcript variant (2), intron variant (1).
Genome position (GRCh38, 1-based): chr5:119,475,837, C>T. VCF-style: chr5-119475837-C-T. GRCh37 (hg19) VCF-style: chr5-118811532-C-T.
Other names: c.316C>T (NM_000414.3); c.391C>T, p.Arg131Cys (NM_001199291.3); c.262C>T, p.Arg88Cys (NM_001199292.2); c.244C>T, p.Arg82Cys (NM_001292027.2); c.-96C>T (NM_001292028.2, NM_001374501.1, NM_001374502.1 and 1 more transcripts); c.316C>T, p.Arg106Cys (NM_001374497.1, NM_001374498.1); c.-223C>T (NM_001374500.1); c.22+110C>T (NM_001374499.1); short protein forms R106C, R88C, R82C, R131C.
Identifiers: ClinVar variation 2200308 (VCV002200308.4), dbSNP rs202240780, ClinGen allele CA3381787.

ClinVar aggregate classification (germline): Uncertain significance. Review status: criteria provided, multiple submitters, no conflicts (2 of 4 stars). 3 submissions from 3 submitters: Uncertain significance (3). Last evaluated 2025-11-13.

Conditions:
Inborn genetic diseases. Identifiers: MedGen C0950123, MeSH D030342.
Bifunctional peroxisomal enzyme deficiency (DBIF). Also called: PBFE DEFICIENCY; D-bifunctional protein deficiency; DBP DEFICIENCY. Identifiers: Orphanet 300, MedGen C0342870, MONDO:0009855, OMIM 261515. Disease mechanism: loss of function.
Perrault syndrome. Also called: Gonadal dysgenesis with auditory dysfunction, autosomal recessive inheritance. Identifiers: Orphanet 2855, MedGen C0685838, MONDO:0017312.

Allele frequency attached by ClinVar (database versions not stated): gnomAD exomes 0.00002; ExAC 0.00004; TOPMed 0.00005; ESP Exome Variant Server 0.00008; gnomAD 0.00008.

Submissions (3):

Ambry Genetics
Classification: Uncertain significance for Inborn genetic diseases. Last evaluated: 2025-11-13. Review status: criteria provided, single submitter. Criteria: Ambry Variant Classification Scheme 2023. Collection method: clinical testing. Allele origin: germline.

Labcorp Genetics (formerly Invitae), Labcorp
Classification: Uncertain significance for Perrault syndrome; Bifunctional peroxisomal enzyme deficiency. Last evaluated: 2025-08-13. Review status: criteria provided, single submitter. Criteria: Invitae Variant Classification Sherloc (09022015). Collection method: clinical testing. Allele origin: germline.
Comment: This sequence change replaces arginine, which is basic and polar, with cysteine, which is neutral and slightly polar, at codon 106 of the HSD17B4 protein (p.Arg106Cys). This variant is present in population databases (rs202240780, gnomAD 0.03%), including at least one homozygous and/or hemizygous individual. This variant has not been reported in the literature in individuals affected with HSD17B4-related conditions. ClinVar contains an entry for this variant (Variation ID: 2200308). Invitae Evidence Modeling of protein sequence and biophysical properties (such as structural, functional, and spatial information, amino acid conservation, physicochemical variation, residue mobility, and thermodynamic stability) has been performed for this missense variant. However, the output from this modeling did not meet the statistical confidence thresholds required to predict the impact of this variant on HSD17B4 protein function. Algorithms developed to predict the effect of sequence changes on RNA splicing suggest that this variant may disrupt the consensus splice site. In summary, the available evidence is currently insufficient to determine the role of this variant in disease. Therefore, it has been classified as a Variant of Uncertain Significance.

Intergen Genetics and Rare Diseases Diagnosis Center
Classification: Uncertain significance for Bifunctional peroxisomal enzyme deficiency. Last evaluated: 2023-11-14. Review status: criteria provided, single submitter. Criteria: ACMG Guidelines, 2015. Collection method: clinical testing. Allele origin: germline. Inheritance: Autosomal recessive inheritance. Observed: 1 heterozygote.